The following is an entry in ClinVar:

ClinVar aggregate classification (germline): Uncertain significance. Review status: criteria provided, multiple submitters, no conflicts (2 of 4 stars). 2 submissions from 2 submitters: Uncertain significance (2). Last evaluated 2023-06-09.

Conditions:
Familial cancer of breast. Also called: Hereditary breast cancer; hereditary breast carcinoma; BREAST CANCER, FAMILIAL. Identifiers: Orphanet 227535, MedGen C0346153, MONDO:0016419, OMIM 114480. Disease mechanism: loss of function.
Ataxia-telangiectasia syndrome (AT). Also called: Ataxia telangiectasia (A-T); LOUIS-BAR SYNDROME; Cerebello-oculocutaneous telangiectasia; Immunodeficiency with ataxia telangiectasia; Ataxia-telangiectasia, complementation group D; AT, COMPLEMENTATION GROUP C. Identifiers: Orphanet 100, MedGen C0004135, MONDO:0008840, OMIM 208900.

Submissions (2):

Baylor Genetics
Classification: Uncertain significance for Familial cancer of breast. Last evaluated: 2023-06-09. Review status: criteria provided, single submitter. Criteria: ACMG Guidelines, 2015. Collection method: clinical testing. Allele origin: unknown.

Labcorp Genetics (formerly Invitae), Labcorp
Classification: Uncertain significance for Ataxia-telangiectasia syndrome. Last evaluated: 2023-05-07. Review status: criteria provided, single submitter. Criteria: Invitae Variant Classification Sherloc (09022015). Collection method: clinical testing. Allele origin: germline.
Comment: This sequence change replaces leucine, which is neutral and non-polar, with valine, which is neutral and non-polar, at codon 2005 of the ATM protein (p.Leu2005Val). This variant is not present in population databases (gnomAD no frequency). This variant has not been reported in the literature in individuals affected with ATM-related conditions. ClinVar contains an entry for this variant (Variation ID: 1719983). An algorithm developed to predict the effect of missense changes on protein structure and function (PolyPhen-2) suggests that this variant is likely to be disruptive. In summary, the available evidence is currently insufficient to determine the role of this variant in disease. Therefore, it has been classified as a Variant of Uncertain Significance.

NM_000051.4(ATM):c.6013C>G (p.Leu2005Val)

Genes: ATM (ATM serine/threonine kinase; plus strand), C11orf65 (chromosome 11 open reading frame 65; minus strand). Cytogenetic location: 11q22.3.
Variant type: single nucleotide variant.
Coding change: c.6013C>G on transcript NM_000051.4 (MANE Select); coding-DNA position 6013, C replaced by G.
Protein change: p.Leu2005Val; replaces leucine 2005 with valine.
Molecular consequence: missense variant. On other transcripts: intron variant (2).
Genome position (GRCh38, 1-based): chr11:108,315,829, C>G. VCF-style: chr11-108315829-C-G. GRCh37 (hg19) VCF-style: chr11-108186556-C-G.
Other names: c.6013C>G, p.Leu2005Val (NM_001351834.2); c.641-6758G>C (NM_001330368.2); c.*39-6758G>C (NM_001351110.2); short protein forms L2005V.
Identifiers: ClinVar variation 1719983 (VCV001719983.7), dbSNP rs2136117678, ClinGen allele CA382549796.